The following is an entry in ClinVar:

ClinVar aggregate classification (germline): Pathogenic (1 of 4 stars; one submission).

Conditions:
Okur-Chung neurodevelopmental syndrome (OCNDS). Identifiers: Orphanet 689422, MedGen C4310739, MONDO:0014893, OMIM 617062.

Submission:

Laboratorio de Genética, Hospital Universitario Reina Sofía
Classification: Pathogenic for Okur-Chung neurodevelopmental syndrome. Last evaluated: 2025-01-03. Review status: criteria provided, single submitter. Criteria: ACMG Guidelines, 2015. Collection method: clinical testing. Allele origin: de novo. Inheritance: Autosomal dominant inheritance. Affected: yes. Observed: 1 variant allele, 1 heterozygote.
Comment: NM_177559.3(CSNK2A1):c.466G>T is classified as Pathogenic. In addition, the variant is significantly enriched in affected individuals compared with controls (PS4_Strong). The change is located in a critical functional region of the CK2α kinase domain with known pathogenic clustering (PM1), is absent or extremely rare in population databases (PM2_Moderate), and represents a novel missense change at a residue where a different pathogenic missense variant has been observed (PM5_Moderate). Computational evidence supports a deleterious effect (PP3_Supporting) and the gene has a low rate of benign missense variation with missense as a common disease mechanism (PP2_Supporting). PP5 was not applied as it is not used for independent clinical classification.

NM_177559.3(CSNK2A1):c.466G>T (p.Asp156Tyr)

Gene: CSNK2A1 (casein kinase 2 alpha 1; minus strand). Cytogenetic location: 20p13.
Variant type: single nucleotide variant.
Coding change: c.466G>T on transcript NM_177559.3 (MANE Select); coding-DNA position 466, G replaced by T.
Protein change: p.Asp156Tyr; replaces aspartic acid 156 with tyrosine.
Molecular consequence: missense variant.
Genome position (GRCh38, 1-based): chr20:495,763, C>A on the plus strand (G>T on the coding strand, the complement: CSNK2A1 is on the minus strand). VCF-style: chr20-495763-C-A. GRCh37 (hg19) VCF-style: chr20-476407-C-A.
Other names: c.466G>T, p.Asp156Tyr (NM_001362770.2, NM_001362771.2, NM_001895.4); c.58G>T, p.Asp20Tyr (NM_177560.3); short protein forms D156Y, D20Y.
Identifiers: ClinVar variation 984880 (VCV000984880.3), dbSNP rs1568512728, ClinGen allele CA407933107.
Genomic context (GRCh38, chr20:495,763, plus strand): 5'-CAGCCTATCACTTTACCTTTCTGTGCTCATGATCAATCATGACATTATGGGGCTTGACAT[C>A]TCTGTGCATAATTCCCATGCTGTGACAATAATCCAGGGCCTGTGGGATGAACGGGTCAGA-3'
Protein context (NP_808227.1, residues 146-166): YCHSMGIMHR[Asp156Tyr]VKPHNVMIDH